The following is an entry in ClinVar:

ClinVar aggregate classification (germline): Conflicting classifications of pathogenicity. Review status: criteria provided, conflicting classifications (1 of 4 stars). 9 submissions from 9 submitters: Likely pathogenic (1); Uncertain significance (7); Likely benign (1). Last evaluated 2025-12-10.

Conditions:
Cardiovascular phenotype. Identifiers: MedGen CN230736.
Arrhythmogenic right ventricular dysplasia 10. Also called: Arrhythmogenic Right Ventricular Dysplasia/Cardiomyopathy10; ARRHYTHMOGENIC RIGHT VENTRICULAR DYSPLASIA, FAMILIAL, 10; Arrhythmogenic right ventricular dysplasia/cardiomyopathy, type 10. Identifiers: MedGen C1857777, MONDO:0012434, OMIM 610193.
Dilated cardiomyopathy 1BB (CMD1BB). Also called: CARDIOMYOPATHY, DILATED, 1BB, SUSCEPTIBILITY TO. Identifiers: Orphanet 154, MedGen C2752072, MONDO:0013030, OMIM 612877.
Cardiomyopathy (CMYO). Also called: Cardiomyopathies. Identifiers: Orphanet 167848, MedGen C0878544, MONDO:0004994, HP:0001638. Inheritance: Various modes of inheritance.

Allele frequency attached by ClinVar (database versions not stated): gnomAD 0.00001; gnomAD exomes 0.00001 and 0.00003; ExAC 0.00003; TOPMed 0.00003; ESP Exome Variant Server 0.00008.
gnomAD v4.1: 15 of 1,613,684 alleles (0.00093%); highest among the groups gnomAD compares: South Asian, 0.0088%; no homozygotes.

Submissions (9):

Labcorp Genetics (formerly Invitae), Labcorp
Classification: Uncertain significance for Arrhythmogenic right ventricular dysplasia 10. Last evaluated: 2025-12-10. Review status: criteria provided, single submitter. Criteria: Invitae Variant Classification Sherloc (09022015). Collection method: clinical testing. Allele origin: germline.
Comment: This sequence change replaces serine, which is neutral and polar, with leucine, which is neutral and non-polar, at codon 194 of the DSG2 protein (p.Ser194Leu). This variant is present in population databases (rs374875442, gnomAD 0.02%). This missense change has been observed in individual(s) with arrhythmogenic cardiomyopathy and/or left ventricular noncompaction (PMID: 22214898, 33500567, 38375917). ClinVar contains an entry for this variant (Variation ID: 44324). Invitae Evidence Modeling of protein sequence and biophysical properties (such as structural, functional, and spatial information, amino acid conservation, physicochemical variation, residue mobility, and thermodynamic stability) has been performed for this missense variant. However, the output from this modeling did not meet the statistical confidence thresholds required to predict the impact of this variant on DSG2 protein function. Studies have shown that this missense change alters DSG2 gene expression (PMID: 38375917). In summary, the available evidence is currently insufficient to determine the role of this variant in disease. Therefore, it has been classified as a Variant of Uncertain Significance.

Petrovsky National Research Centre of Surgery, The Federal Agency for Scientific Organizations
Classification: Likely pathogenic for Arrhythmogenic right ventricular dysplasia 10. Last evaluated: 2025-08-15. Review status: criteria provided, single submitter. Criteria: ACMG Guidelines, 2015. Collection method: clinical testing. Allele origin: germline. Inheritance: Autosomal dominant inheritance. Affected: yes. Observed: 2 homozygotes.
Comment: ClinVar contains an entry for this variant (VCV000044324.14) observed in individual(s) with arrhythmogenic right ventricular cardiomyopathy (PMID: 22214898, 33500567, 38375917). This variant c.581C>T has been reported in the literature in compound heterozygosity with another DSG2 variant in an individual with ARVC (PMID: 22214898). Functional studies show reduced expression of DSG2 and Connexin 43 were observed in cellular cytoplasm and gap junctions (PMID: 38375917). For these reasons, this variant has been classified as Likely Pathogenic.

Color Diagnostics, LLC DBA Color Health
Classification: Uncertain significance for Cardiomyopathy. Last evaluated: 2025-07-25. Review status: criteria provided, single submitter. Criteria: ACMG Guidelines, 2015. Collection method: clinical testing. Allele origin: germline.
Comment: This missense variant replaces serine with leucine at codon 194 of the DSG2 protein. Computational prediction suggests that this variant may not impact protein structure and function. To our knowledge, functional studies have not been reported for this variant. This variant has been reported in an individual affected with arrhythmogenic right ventricular cardiomyopathy along with two additional missense variants in the same gene (PMID: 22214898) and in an individual suspected to be affected with left ventricular noncompaction cardiomyopathy (PMID: 33500567). This variant has been identified in 7/249350 chromosomes in the general population by the Genome Aggregation Database (gnomAD). The available evidence is insufficient to determine the role of this variant in disease conclusively. Therefore, this variant is classified as a Variant of Uncertain Significance.

Blueprint Genetics
Classification: Likely benign. Last evaluated: 2023-08-04. Review status: criteria provided, single submitter. Criteria: ACMG Guidelines, 2015. Collection method: clinical testing. Allele origin: germline.

Ambry Genetics
Classification: Uncertain significance for Cardiovascular phenotype. Last evaluated: 2022-12-16. Review status: criteria provided, single submitter. Criteria: Ambry General Variant Classification Scheme_2022. Collection method: clinical testing. Allele origin: germline.
Comment: The p.S194L variant (also known as c.581C>T), located in coding exon 6 of the DSG2 gene, results from a C to T substitution at nucleotide position 581. The serine at codon 194 is replaced by leucine, an amino acid with dissimilar properties. This alteration has been reported in arrhythmogenic right ventricular cardiomyopathy (ARVC) cohorts; however, clinical details were limited and additional alterations in other ARVC-related genes were identified in one case (Nakajima T et al. Circ J, 2012 Dec;76:737-43; Ren C et al. Medicine (Baltimore), 2020 Jun;99:e20279). Additionally, this alteration was detected in a left ventricular non-compaction (LVNC) cohort; however, clinical details were also limited (Mazzarotto F et al. Genet Med, 2021 May;23:856-864). This amino acid position is well conserved in available vertebrate species. In addition, this alteration is predicted to be tolerated by in silico analysis. Since supporting evidence is limited at this time, the clinical significance of this alteration remains unclear.

Women's Health and Genetics/Laboratory Corporation of America, LabCorp
Classification: Uncertain significance. Last evaluated: 2022-04-11. Review status: criteria provided, single submitter. Criteria: LabCorp Variant Classification Summary - May 2015. Collection method: clinical testing. Allele origin: germline.
Comment: Variant summary: DSG2 c.581C>T (p.Ser194Leu) results in a non-conservative amino acid change located in the Cadherin-like domain (IPR002126) of the encoded protein sequence. Five of five in-silico tools predict a damaging effect of the variant on protein function. The variant allele was found at a frequency of 2.8e-05 in 249350 control chromosomes. The available data on variant occurrences in the general population are insufficient to allow any conclusion about variant significance. c.581C>T has been reported in the literature in compound heterozygosity with another DSG2 variant in an individual with Arrhythmogenic Right Ventricular Dysplasia/Cardiomyopathy (ARVC) (example, Nakajima_2012). A minor structural abnormality was noted upon echocardiographic examination of the mother. The authors suggested that this variant alone may not be sufficiently penetrant to cause ARVC. Since this report, it has also been reported in one case of left ventricular noncompaction (LVNC) (example, Mazzarotto_2021). These report(s) do not provide unequivocal conclusions about association of the variant with Arrhythmogenic Right Ventricular Dysplasia/Cardiomyopathy. To our knowledge, no experimental evidence demonstrating an impact on protein function has been reported. Three clinical diagnostic laboratories have submitted clinical-significance assessments for this variant to ClinVar after 2014 without evidence for independent evaluation. All laboratories classified the variant as uncertain significance. Based on the evidence outlined above, the variant was classified as uncertain significance.

Fulgent Genetics
Classification: Uncertain significance for Arrhythmogenic right ventricular dysplasia 10; Dilated cardiomyopathy 1BB. Last evaluated: 2021-07-21. Review status: criteria provided, single submitter. Criteria: ACMG Guidelines, 2015. Collection method: clinical testing. Allele origin: unknown.

GeneDx
Classification: Uncertain significance. Last evaluated: 2019-10-25. Review status: criteria provided, single submitter. Criteria: GeneDx Variant Classification Process June 2021. Collection method: clinical testing. Allele origin: germline. Affected: yes.
Comment: Reported with a different missense variant on the opposite allele (in trans) in an individual with ARVC, and observed in apparent homozygous state in another individual with ARVC in published literature (Nakajima et al., 2012; Shapieva et al., 2014); in one family, S194L segregated in an unaffected relative and a relative whose echocardiogram showed a minor right ventricular structural abnormality, but their EKG was not suggestive of ARVC (Nakajima et al., 2012); Reported in ClinVar as a variant of uncertain significance (ClinVar Variant ID# 44324; Landrum et al., 2016), and one clinical laboratory identified this variant in a child with clinical features of DCM and ARVC (SCV000060969.4; Landrum et al., 2016); In silico analysis, which includes protein predictors and evolutionary conservation, supports a deleterious effect; This variant is associated with the following publications: (PMID: 30177324, 22214898, 23299917)

Laboratory for Molecular Medicine, Mass General Brigham Personalized Medicine
Classification: Uncertain significance. Last evaluated: 2016-05-27. Review status: criteria provided, single submitter. Criteria: LMM Criteria. Collection method: clinical testing. Allele origin: germline. Observed: 2 variant alleles.
Comment: The p.Ser194Leu variant in DSG2 has been reported in a compound heterozygous ind ividual with ARVC (Nakajima 2012). It has been identified in 3/16492 South Asian chromosomes by the Exome Aggregation Con sortium (ExAC; dbSNP rs374875442). Computational prediction tools and conservation analysis suggest that this variant may impact the protein, though this information is not predictive enough to determine path ogenicity. In summary, the clinical significance of the p.Ser194Leu variant is u ncertain.

Literature cited by the submitters: PubMed 22214898 (cited by 5 submitters); PubMed 33500567 (cited by 4 submitters); PubMed 38375917 (cited by Labcorp Genetics (formerly Invitae), Labcorp and Petrovsky National Research Centre of Surgery, The Federal Agency for Scientific Organizations); PubMed 32569162 (cited by Ambry Genetics); PubMed 30177324 (cited by Women's Health and Genetics/Laboratory Corporation of America, LabCorp); PubMed 30885746 (cited by Women's Health and Genetics/Laboratory Corporation of America, LabCorp).

NM_001943.5(DSG2):c.581C>T (p.Ser194Leu)

Gene: DSG2 (desmoglein 2; plus strand). Cytogenetic location: 18q12.1.
Variant type: single nucleotide variant.
Coding change: c.581C>T on transcript NM_001943.5 (MANE Select); coding-DNA position 581, C replaced by T.
Protein change: p.Ser194Leu; replaces serine 194 with leucine.
Molecular consequence: missense variant.
Genome position (GRCh38, 1-based): chr18:31,522,140, C>T. VCF-style: chr18-31522140-C-T. GRCh37 (hg19) VCF-style: chr18-29102103-C-T.
Other names: short protein forms S194L.
Identifiers: ClinVar variation 44324 (VCV000044324.16), dbSNP rs374875442, ClinGen allele CA022199.